The following is an entry in ClinVar:

NM_001267550.2(TTN):c.39211+13A>T

Gene: TTN (titin; minus strand). Cytogenetic location: 2q31.2.
Variant type: single nucleotide variant.
Coding change: c.39211+13A>T on transcript NM_001267550.2 (MANE Select); 13 bases into the intron after coding-DNA position 39211, A replaced by T.
Molecular consequence: intron variant.
Genome position (GRCh38, 1-based): chr2:178,652,251, T>A on the plus strand (A>T on the coding strand, the complement: TTN is on the minus strand). VCF-style: chr2-178652251-T-A. GRCh37 (hg19) VCF-style: chr2-179516978-T-A.
Other names: c.13283-9934A>T (NM_003319.4); c.13859-9934A>T (NM_133437.4); c.13658-9934A>T (NM_133432.3); c.31909+13A>T (NM_133378.4); c.34690+13A>T (NM_001256850.1).
Identifiers: ClinVar variation 512216 (VCV000512216.5), dbSNP rs756966122, ClinGen allele CA1996827.

ClinVar aggregate classification (germline): Likely benign. Review status: criteria provided, multiple submitters, no conflicts (2 of 4 stars). 3 submissions from 3 submitters: Likely benign (3). Last evaluated 2026-01-25.

Conditions:
Autosomal recessive limb-girdle muscular dystrophy type 2J (LGMDR10). Also called: Limb-girdle muscular dystrophy, type 2J; MUSCULAR DYSTROPHY, LIMB-GIRDLE, AUTOSOMAL RECESSIVE 10. Identifiers: Orphanet 140922, MedGen C1837342, MONDO:0012127, OMIM 608807.
Dilated cardiomyopathy 1G (CMD1G). Identifiers: Orphanet 154, MedGen C1858763, MONDO:0011400, OMIM 604145.

Allele frequency attached by ClinVar (database versions not stated): gnomAD 0.00001; gnomAD exomes 0.00001; ExAC 0.00002.
gnomAD v4.1: 12 of 1,613,280 alleles (0.00074%); highest among the groups gnomAD compares: Admixed American, 0.01%; no homozygotes.

Submissions (3):

Labcorp Genetics (formerly Invitae), Labcorp
Classification: Likely benign for Dilated cardiomyopathy 1G; Autosomal recessive limb-girdle muscular dystrophy type 2J. Last evaluated: 2026-01-25. Review status: criteria provided, single submitter. Criteria: Invitae Variant Classification Sherloc (09022015). Collection method: clinical testing. Allele origin: germline.

Blueprint Genetics
Classification: Likely benign. Last evaluated: 2021-09-23. Review status: criteria provided, single submitter. Criteria: ACMG Guidelines, 2015. Collection method: clinical testing. Allele origin: germline.

GeneDx
Classification: Likely benign. Last evaluated: 2017-09-14. Review status: criteria provided, single submitter. Criteria: GeneDx Variant Classification (06012015). Collection method: clinical testing. Allele origin: germline. Affected: yes.
Comment: This variant is considered likely benign or benign based on one or more of the following criteria: it is a conservative change, it occurs at a poorly conserved position in the protein, it is predicted to be benign by multiple in silico algorithms, and/or has population frequency not consistent with disease.